The following is an entry in ClinVar:

NM_201384.3(PLEC):c.175-58T>C

Gene: PLEC (plectin; minus strand). Cytogenetic location: 8q24.3.
Variant type: single nucleotide variant.
Coding change: c.175-58T>C on transcript NM_201384.3 (MANE Select); 58 bases into the intron before coding-DNA position 175, T replaced by C.
Molecular consequence: intron variant.
Genome position (GRCh38, 1-based): chr8:143,938,298, A>G on the plus strand (T>C on the coding strand, the complement: PLEC is on the minus strand). VCF-style: chr8-143938298-A-G. GRCh37 (hg19) VCF-style: chr8-145012466-A-G.
Other names: c.256-58T>C (NM_000445.5); c.133-58T>C (NM_201378.4); c.109-58T>C (NM_201379.3); c.586-58T>C (NM_201380.4); c.79-58T>C (NM_201381.3); c.175-58T>C (NM_201382.4); c.187-58T>C (NM_201383.3).
Identifiers: ClinVar variation 667884 (VCV000667884.2), dbSNP rs11136338, ClinGen allele CA12780815.

ClinVar aggregate classification (germline): Benign. Review status: criteria provided, multiple submitters, no conflicts (2 of 4 stars). 2 submissions from 2 submitters: Benign (2). Last evaluated 2018-06-19.

Allele frequency attached by ClinVar (database versions not stated): 1000 Genomes Project 30x 0.23189; 1000 Genomes Project 0.23263; TOPMed 0.27609; gnomAD 0.29218 and 0.29376; gnomAD exomes 0.37738.
gnomAD v4.1: 567,356 of 1,538,260 alleles (37%); highest among the groups gnomAD compares: Non-Finnish European, 40%; 109,484 homozygotes.

Submissions (2):

GeneDx
Classification: Benign. Last evaluated: 2018-06-19. Review status: criteria provided, single submitter. Criteria: GeneDx Variant Classification (06012015). Collection method: clinical testing. Allele origin: germline. Affected: yes.
Comment: This variant is considered likely benign or benign based on one or more of the following criteria: it is a conservative change, it occurs at a poorly conserved position in the protein, it is predicted to be benign by multiple in silico algorithms, and/or has population frequency not consistent with disease.

Breakthrough Genomics
Classification: Benign. Review status: criteria provided, single submitter. Criteria: ACMG Guidelines, 2015. Collection method: not provided. Allele origin: germline. Inheritance: Autosomal recessive inheritance. Affected: yes.